The following is an entry in ClinVar:

NM_000441.2(SLC26A4):c.416-13T>C

Gene: SLC26A4 (solute carrier family 26 member 4; plus strand). Cytogenetic location: 7q22.3.
Variant type: single nucleotide variant.
Coding change: c.416-13T>C on transcript NM_000441.2 (MANE Select); 13 bases into the intron before coding-DNA position 416, T replaced by C.
Molecular consequence: intron variant.
Genome position (GRCh38, 1-based): chr7:107,674,151, T>C. VCF-style: chr7-107674151-T-C. GRCh37 (hg19) VCF-style: chr7-107314596-T-C.
Identifiers: ClinVar variation 43557 (VCV000043557.29), dbSNP rs77553387, ClinGen allele CA132728.

ClinVar aggregate classification (germline): Conflicting classifications of pathogenicity. Review status: criteria provided, conflicting classifications (1 of 4 stars). 9 submissions from 8 submitters: Uncertain significance (1); Benign (4); Likely benign (2). 2 of the submissions do not count toward it. Last evaluated 2026-02-04.

Conditions:
Autosomal recessive nonsyndromic hearing loss 4 (DFNB4). Also called: FOXI1-Related Pendred Syndrome; KCNJ10-Related Pendred Syndrome; Deafness, autosomal recessive 4; DEAFNESS, AUTOSOMAL RECESSIVE 4, WITH ENLARGED VESTIBULAR AQUEDUCT, DIGENIC; NEUROSENSORY NONSYNDROMIC RECESSIVE DEAFNESS 4; Nonsyndromic enlarged vestibular aqueduct (NSEVA). Identifiers: Orphanet 90636, MedGen C3538946, MONDO:0010933, OMIM 600791.
Pendred syndrome (PDS). Also called: DEAFNESS WITH GOITER; GOITER-DEAFNESS SYNDROME; HYPOTHYROIDISM, CONGENITAL, DUE TO DYSHORMONOGENESIS, 2B; THYROID DYSHORMONOGENESIS 2B; THYROID HORMONOGENESIS, GENETIC DEFECT IN, 2B; Pendred's syndrome. Identifiers: Orphanet 705, MedGen C0271829, MONDO:0010134, OMIM 274600.

Allele frequency attached by ClinVar (database versions not stated): gnomAD exomes 0.00045 and 0.00109; ExAC 0.00125; ESP Exome Variant Server 0.00423; gnomAD 0.00427 and 0.00455; TOPMed 0.00488; 1000 Genomes Project 0.00659; 1000 Genomes Project 30x 0.00703.
gnomAD v4.1: 1,348 of 1,609,800 alleles (0.084%); highest among the groups gnomAD compares: African/African-American, 1.5%; 12 homozygotes.

Submissions (9):

Labcorp Genetics (formerly Invitae), Labcorp
Classification: Benign. Last evaluated: 2026-02-04. Review status: criteria provided, single submitter. Criteria: Invitae Variant Classification Sherloc (09022015). Collection method: clinical testing. Allele origin: germline.

Blueprint Genetics
Classification: Likely benign. Last evaluated: 2024-11-25. Review status: criteria provided, single submitter. Criteria: ACMG Guidelines, 2015. Collection method: clinical testing. Allele origin: germline.

GeneDx
Classification: Benign. Last evaluated: 2019-12-31. Review status: criteria provided, single submitter. Criteria: GeneDx Variant Classification Process June 2021. Collection method: clinical testing. Allele origin: germline. Affected: yes.
Comment: This variant is associated with the following publications: (PMID: 23280318)

ARUP Laboratories, Molecular Genetics and Genomics, ARUP Laboratories
Classification: Benign. Last evaluated: 2019-02-25. Review status: criteria provided, single submitter. Criteria: ARUP Molecular Germline Variant Investigation Process. Collection method: clinical testing. Allele origin: germline.

Illumina Laboratory Services, Illumina
Classification: Likely benign for Pendred syndrome. Last evaluated: 2018-01-13. Review status: criteria provided, single submitter. Criteria: ICSL Variant Classification Criteria 13 December 2019. Collection method: clinical testing. Allele origin: germline.
Comment: This variant was observed in the ICSL laboratory as part of a predisposition screen in an ostensibly healthy population. It had not been previously curated by ICSL or reported in the Human Gene Mutation Database (HGMD: prior to June 1st, 2018), and was therefore a candidate for classification through an automated scoring system. Utilizing variant allele frequency, disease prevalence and penetrance estimates, and inheritance mode, an automated score was calculated to assess if this variant is too frequent to cause the disease. Based on the score and internal cut-off values, a variant classified as likely benign is not then subjected to further curation. The score for this variant resulted in a classification of likely benign for this disease.

Illumina Laboratory Services, Illumina
Classification: Uncertain significance for Autosomal recessive nonsyndromic hearing loss 4. Last evaluated: 2018-01-13. Review status: criteria provided, single submitter. Criteria: ICSL Variant Classification Criteria 13 December 2019. Collection method: clinical testing. Allele origin: germline.

Laboratory for Molecular Medicine, Mass General Brigham Personalized Medicine
Classification: Benign. Last evaluated: 2012-04-30. Review status: criteria provided, single submitter. Criteria: LMM Criteria. Collection method: clinical testing. Allele origin: germline. Observed: 1 variant allele.
Comment: 416-13T>C in Intron 04 of SLC26A4: This variant is not expected to have clinical significance because it has been identified in 1.1% (40/3738) of African Americ an chromosomes from a broad population by the NHLBI Exome Sequencing Project (dbSNP rs77553387).

Clinical Genetics DNA and cytogenetics Diagnostics Lab, Erasmus MC, Erasmus Medical Center
Classification: Benign. Review status: no assertion criteria provided. Collection method: clinical testing. Allele origin: germline. Affected: yes. Study: VKGL Data-share Consensus. Not counted in ClinVar's aggregate classification.

Clinical Genetics, Academic Medical Center
Classification: Benign. Review status: no assertion criteria provided. Collection method: clinical testing. Allele origin: germline. Affected: yes. Study: VKGL Data-share Consensus. Not counted in ClinVar's aggregate classification.